The following is an entry in ClinVar:

ClinVar aggregate classification (germline): Uncertain significance (1 of 4 stars; one submission).

Conditions:
Neurofibromatosis, type 1 (NF1). Also called: Peripheral type neurofibromatosis; NEUROFIBROMATOSIS, TYPE I, SOMATIC; VON RECKLINGHAUSEN DISEASE; Neurofibromatosis, type I. Identifiers: Orphanet 636, MedGen C0027831, MONDO:0018975, OMIM 162200. Disease mechanism: loss of function.

Submission:

Labcorp Genetics (formerly Invitae), Labcorp
Classification: Uncertain significance for Neurofibromatosis, type 1. Last evaluated: 2024-07-03. Review status: criteria provided, single submitter. Criteria: Invitae Variant Classification Sherloc (09022015). Collection method: clinical testing. Allele origin: germline.
Comment: This sequence change falls in intron 17 of the NF1 gene. It does not directly change the encoded amino acid sequence of the NF1 protein. It affects a nucleotide within the consensus splice site. This variant is not present in population databases (gnomAD no frequency). This variant has not been reported in the literature in individuals affected with NF1-related conditions. Variants that disrupt the consensus splice site are a relatively common cause of aberrant splicing (PMID: 17576681, 9536098). Algorithms developed to predict the effect of sequence changes on RNA splicing suggest that this variant is not likely to affect RNA splicing. In summary, the available evidence is currently insufficient to determine the role of this variant in disease. Therefore, it has been classified as a Variant of Uncertain Significance.

Literature cited by the submitters: PubMed 17576681; PubMed 9536098.

NM_001042492.3(NF1):c.2002-7_2002-3del

Gene: NF1 (neurofibromin 1; plus strand). Cytogenetic location: 17q11.2.
Variant type: Deletion.
Coding change: c.2002-7_2002-3del on transcript NM_001042492.3 (MANE Select); 7 bases into the intron before coding-DNA position 2002 through 3 bases into the intron before coding-DNA position 2002, 5 bases deleted (CTCTC; older notation c.2002-7_2002-3delCTCTC).
Molecular consequence: intron variant.
Genome position (GRCh38, 1-based): chr17:31,226,428-31,226,432, CTCTC deleted. VCF-style (leftmost placement, unchanged base first): chr17-31226427-ACTCTC-A. GRCh37 (hg19) VCF-style: chr17-29553445-ACTCTC-A.
Other names: c.2002-7_2002-3del (NM_000267.4).
Identifiers: ClinVar variation 2749124 (VCV002749124.3), dbSNP rs2508153686, ClinGen allele CA2697559707.